The following is an entry in ClinVar:

NM_001384474.1(LOXHD1):c.2327G>A (p.Arg776His)

Gene: LOXHD1 (lipoxygenase homology PLAT domains 1; minus strand). Cytogenetic location: 18q21.1.
Variant type: single nucleotide variant.
Coding change: c.2327G>A on transcript NM_001384474.1 (MANE Select); coding-DNA position 2327, G replaced by A.
Protein change: p.Arg776His; replaces arginine 776 with histidine.
Molecular consequence: missense variant.
Genome position (GRCh38, 1-based): chr18:46,566,367, C>T on the plus strand (G>A on the coding strand, the complement: LOXHD1 is on the minus strand). VCF-style: chr18-46566367-C-T. GRCh37 (hg19) VCF-style: chr18-44146330-C-T.
Other names: c.2327G>A, p.Arg776His (NM_144612.7); short protein forms R776H.
Identifiers: ClinVar variation 891791 (VCV000891791.5), dbSNP rs373559161, ClinGen allele CA8952683.

ClinVar aggregate classification (germline): Uncertain significance. Review status: criteria provided, multiple submitters, no conflicts (2 of 4 stars). 2 submissions from 2 submitters: Uncertain significance (2). Last evaluated 2025-03-07.

Conditions:
LOXHD1-related disorder. Also called: LOXHD1-related condition.
Autosomal recessive nonsyndromic hearing loss 77. Identifiers: Orphanet 90636, MedGen C2746083, MONDO:0013119, OMIM 613079.

Allele frequency attached by ClinVar (database versions not stated): gnomAD 0.00007 and 0.00008; gnomAD exomes 0.00007; TOPMed 0.00010; ExAC 0.00014; 1000 Genomes Project 30x 0.00016; 1000 Genomes Project 0.00020; ESP Exome Variant Server 0.00022.
gnomAD v4.1: 132 of 1,551,710 alleles (0.0085%); highest among the groups gnomAD compares: East Asian, 0.034%; 1 homozygote.

Submissions (2):

PreventionGenetics, part of Exact Sciences
Classification: Uncertain significance for LOXHD1-related condition. Last evaluated: 2025-03-07. Review status: criteria provided, single submitter. Criteria: ACMG Guidelines, 2015. Collection method: clinical testing. Allele origin: germline.
Comment: The LOXHD1 c.2327G>A variant is predicted to result in the amino acid substitution p.Arg776His. This variant was reported along with second LOXHD1 variant in an individual with bilateral profound hearing loss (patient 21, table 2,Wang et al. 2022. PubMed ID: 35711932). This variant is reported in 0.031% of alleles in individuals of East Asian descent in gnomAD. At this time, the clinical significance of this variant is uncertain due to the absence of conclusive functional and genetic evidence.

Illumina Laboratory Services, Illumina
Classification: Uncertain significance for Autosomal recessive nonsyndromic hearing loss 77. Last evaluated: 2017-04-28. Review status: criteria provided, single submitter. Criteria: ICSL Variant Classification Criteria 13 December 2019. Collection method: clinical testing. Allele origin: germline.